The following is an entry in ClinVar:

NM_006445.4(PRPF8):c.686A>G (p.Gln229Arg)

Gene: PRPF8 (pre-mRNA processing factor 8; minus strand). Cytogenetic location: 17p13.3.
Variant type: single nucleotide variant.
Coding change: c.686A>G on transcript NM_006445.4 (MANE Select); coding-DNA position 686, A replaced by G.
Protein change: p.Gln229Arg; replaces glutamine 229 with arginine.
Molecular consequence: missense variant.
Genome position (GRCh38, 1-based): chr17:1,681,658, T>C on the plus strand (A>G on the coding strand, the complement: PRPF8 is on the minus strand). VCF-style: chr17-1681658-T-C. GRCh37 (hg19) VCF-style: chr17-1584952-T-C.
Other names: c.686A>G (NM_006445.3); short protein forms Q229R.
Identifiers: ClinVar variation 2776802 (VCV002776802.4), dbSNP rs767465437, ClinGen allele CA8272559.

ClinVar aggregate classification (germline): Uncertain significance. Review status: criteria provided, multiple submitters, no conflicts (2 of 4 stars). 2 submissions from 2 submitters: Uncertain significance (2). Last evaluated 2025-09-26.

Conditions:
Inborn genetic diseases. Identifiers: MedGen C0950123, MeSH D030342.

Allele frequency attached by ClinVar (database versions not stated): gnomAD exomes below 0.00001; ExAC 0.00001.
gnomAD v4.1: 1 of 1,614,108 alleles (0.000062%); highest among the groups gnomAD compares: Non-Finnish European, 0.000085%; no homozygotes.

Submissions (2):

Ambry Genetics
Classification: Uncertain significance for Inborn genetic diseases. Last evaluated: 2025-09-26. Review status: criteria provided, single submitter. Criteria: Ambry Variant Classification Scheme 2023. Collection method: clinical testing. Allele origin: germline.

Labcorp Genetics (formerly Invitae), Labcorp
Classification: Uncertain significance. Last evaluated: 2024-09-13. Review status: criteria provided, single submitter. Criteria: Invitae Variant Classification Sherloc (09022015). Collection method: clinical testing. Allele origin: germline.
Comment: This sequence change replaces glutamine, which is neutral and polar, with arginine, which is basic and polar, at codon 229 of the PRPF8 protein (p.Gln229Arg). This variant is present in population databases (rs767465437, gnomAD 0.0009%). This variant has not been reported in the literature in individuals affected with PRPF8-related conditions. Invitae Evidence Modeling of protein sequence and biophysical properties (such as structural, functional, and spatial information, amino acid conservation, physicochemical variation, residue mobility, and thermodynamic stability) indicates that this missense variant is not expected to disrupt PRPF8 protein function with a negative predictive value of 80%. In summary, the available evidence is currently insufficient to determine the role of this variant in disease. Therefore, it has been classified as a Variant of Uncertain Significance.